The following is an entry in ClinVar:

NM_016562.4(TLR7):c.943A>C (p.Lys315Gln)

Gene: TLR7 (toll like receptor 7; plus strand). Cytogenetic location: Xp22.2.
Variant type: single nucleotide variant.
Coding change: c.943A>C on transcript NM_016562.4 (MANE Select); coding-DNA position 943, A replaced by C.
Protein change: p.Lys315Gln; replaces lysine 315 with glutamine.
Molecular consequence: missense variant.
Genome position (GRCh38, 1-based): chrX:12,886,451, A>C. VCF-style: chrX-12886451-A-C. GRCh37 (hg19) VCF-style: chrX-12904570-A-C.
Other names: short protein forms K315Q.
Identifiers: ClinVar variation 2076929 (VCV002076929.5), dbSNP rs201359066, ClinGen allele CA10349983.

ClinVar aggregate classification (germline): Uncertain significance. Review status: criteria provided, multiple submitters, no conflicts (2 of 4 stars). 2 submissions from 2 submitters: Uncertain significance (2). Last evaluated 2023-02-26.

Conditions:
Immunodeficiency 74, COVID-19-related, X-linked. Also called: IMMUNODEFICIENCY 74, COVID19-RELATED, X-LINKED; RESPIRATORY INSUFFICIENCY DUE TO SARS-CoV-2 VIRAL INFECTION; TLR7 DEFICIENCY. Identifiers: MedGen C5435745, MONDO:0026767, OMIM 301051.
Systemic lupus erythematosus 17 (SLEB17). Identifiers: MedGen C5676884, MONDO:0859083, OMIM 301080.

Allele frequency attached by ClinVar (database versions not stated): ExAC 0.00001; gnomAD 0.00001.
gnomAD v4.1: 28 of 1,210,523 alleles (0.0023%); highest among the groups gnomAD compares: Non-Finnish European, 0.0031%; no homozygotes.

Submissions (2):

Labcorp Genetics (formerly Invitae), Labcorp
Classification: Uncertain significance. Last evaluated: 2023-02-26. Review status: criteria provided, single submitter. Criteria: Invitae Variant Classification Sherloc (09022015). Collection method: clinical testing. Allele origin: germline.
Comment: This sequence change replaces lysine, which is basic and polar, with glutamine, which is neutral and polar, at codon 315 of the TLR7 protein (p.Lys315Gln). This variant is present in population databases (rs201359066, gnomAD 0.004%). This variant has not been reported in the literature in individuals affected with TLR7-related conditions. ClinVar contains an entry for this variant (Variation ID: 2076929). An algorithm developed to predict the effect of missense changes on protein structure and function (PolyPhen-2) suggests that this variant is likely to be tolerated. In summary, the available evidence is currently insufficient to determine the role of this variant in disease. Therefore, it has been classified as a Variant of Uncertain Significance.

Department of Pathology and Laboratory Medicine, Sinai Health System
Classification: Uncertain significance for Immunodeficiency 74, COVID-19-related, X-linked; Systemic lupus erythematosus 17. Last evaluated: 2022-04-29. Review status: criteria provided, single submitter. Criteria: ACMG Guidelines, 2015. Collection method: research. Allele origin: germline.